The following is an entry in ClinVar:

ClinVar aggregate classification (germline): Uncertain significance (1 of 4 stars; one submission).

Conditions:
Inborn genetic diseases. Identifiers: MedGen C0950123, MeSH D030342.

Submission:

Ambry Genetics
Classification: Uncertain significance for Inborn genetic diseases. Last evaluated: 2025-04-04. Review status: criteria provided, single submitter. Criteria: Ambry Variant Classification Scheme 2023. Collection method: clinical testing. Allele origin: germline.
Comment: The p.I396V variant (also known as c.1186A>G), located in coding exon 13 of the RTEL1 gene, results from an A to G substitution at nucleotide position 1186. The isoleucine at codon 396 is replaced by valine, an amino acid with highly similar properties. This amino acid position is conserved. In addition, this alteration is predicted to be tolerated by in silico analysis. Based on the available evidence, the clinical significance of this variant remains unclear.

NM_001283009.2(RTEL1):c.1186A>G (p.Ile396Val)

Genes: RTEL1 (regulator of telomere elongation helicase 1; plus strand), RTEL1-TNFRSF6B (RTEL1-TNFRSF6B readthrough (NMD candidate); plus strand). Cytogenetic location: 20q13.33.
Variant type: single nucleotide variant.
Coding change: c.1186A>G on transcript NM_001283009.2 (MANE Select); coding-DNA position 1186, A replaced by G.
Protein change: p.Ile396Val; replaces isoleucine 396 with valine.
Molecular consequence: missense variant. On other transcripts: non-coding transcript variant (1).
Genome position (GRCh38, 1-based): chr20:63,680,714, A>G. VCF-style: chr20-63680714-A-G. GRCh37 (hg19) VCF-style: chr20-62312067-A-G.
Other names: c.517A>G, p.Ile173Val (NM_001283010.1); c.1186A>G, p.Ile396Val (NM_016434.4); c.1258A>G, p.Ile420Val (NM_032957.5); short protein forms I396V, I173V, I420V.
Identifiers: ClinVar variation 3948292 (VCV003948292.1).
Genomic context (GRCh38, chr20:63,680,714, plus strand): 5'-TGCCCTCCAGGTGCTGGAGTGTTCACCAACACGGCCGGACTGCAGAAGCTGGCGGACATT[A>G]TCCAGGTGGGGCCTGCTCCTCTGTGGCATCTCCTTCCCTGATGGAAGCCGGGCGGGTGCC-3'
Protein context (NP_001269938.1, residues 386-406): TAGLQKLADI[Ile396Val]QIVFSVDPSE